The following is an entry in ClinVar:

ClinVar aggregate classification (germline): Likely benign. Review status: criteria provided, multiple submitters, no conflicts (2 of 4 stars). 2 submissions from 2 submitters: Likely benign (2). Last evaluated 2026-03-01.

Conditions:
FGFR1-related disorder. Also called: FGFR1-related condition; FGFR1-related disorders. Identifiers: MedGen CN380097.

gnomAD v4.1: 8 of 233,280 alleles (0.0034%); highest among the groups gnomAD compares: Non-Finnish European, 0.0068%; no homozygotes.

Submissions (2):

CeGaT Center for Human Genetics Tuebingen
Classification: Likely benign. Last evaluated: 2026-03-01. Review status: criteria provided, single submitter. Criteria: CeGaT Center For Human Genetics Tuebingen Variant Classification Criteria Version 2. Collection method: clinical testing. Allele origin: germline. Affected: yes. Observed: 1 variant allele.
Comment: FGFR1: BP4, BP7

PreventionGenetics, part of Exact Sciences
Classification: Likely benign for FGFR1-related condition. Last evaluated: 2024-11-13. Review status: criteria provided, single submitter. Criteria: ACMG Guidelines, 2015. Collection method: clinical testing. Allele origin: germline.
Comment: This variant is classified as likely benign based on ACMG/AMP sequence variant interpretation guidelines (Richards et al. 2015 PMID: 25741868, with internal and published modifications).

NM_023110.3(FGFR1):c.*1056G>A

Genes: FGFR1 (fibroblast growth factor receptor 1; minus strand), LOC102723716 (uncharacterized LOC102723716; minus strand). Cytogenetic location: 8p11.23.
Variant type: single nucleotide variant.
Coding change: c.*1056G>A on transcript NM_023110.3 (MANE Select); 1056 bases downstream of the stop codon, G replaced by A.
Molecular consequence: 3 prime UTR variant. On other transcripts: non-coding transcript variant (1), synonymous variant (3).
Genome position (GRCh38, 1-based): chr8:38,412,572, C>T on the plus strand (G>A on the coding strand, the complement: FGFR1 is on the minus strand). VCF-style: chr8-38412572-C-T. GRCh37 (hg19) VCF-style: chr8-38270090-C-T.
Other names: c.*1056G>A (NM_001174063.2, NM_001174064.2, NM_001174065.2 and 7 more transcripts); c.2310G>A, p.Thr770= (NM_001354367.2); c.2304G>A, p.Thr768= (NM_001354369.2); c.2043G>A, p.Thr681= (NM_001354370.2); c.2043G>A (NM_001354370.1).
Identifiers: ClinVar variation 4534279 (VCV004534279.7).